The following is an entry in ClinVar:

NM_007294.4(BRCA1):c.5021dup (p.Thr1675fs)

Gene: BRCA1 (BRCA1 DNA repair associated; minus strand). Cytogenetic location: 17q21.31.
Variant type: Duplication.
Coding change: c.5021dup on transcript NM_007294.4 (MANE Select); coding-DNA position 5021, one base duplicated (T; older notation c.5021dupT).
Protein change: p.Thr1675fs; shifts the reading frame from threonine 1675.
Molecular consequence: frameshift variant. On other transcripts: non-coding transcript variant (1).
Genome position (GRCh38, 1-based): chr17:43,067,661, A duplicated on the plus strand (T on the coding strand, the reverse complement: BRCA1 is on the minus strand). VCF-style (leftmost placement, unchanged base first): chr17-43067660-G-GA. GRCh37 (hg19) VCF-style: chr17-41219677-G-GA.
Other names: c.1568dup, p.Thr524Hisfs (NM_001408458.1, NM_001408459.1, NM_001408465.1 and 7 more transcripts); c.4685dup, p.Thr1563Hisfs (NM_001407952.1, NM_001407953.1, NM_001407954.1 and 3 more transcripts); c.4682dup, p.Thr1562Hisfs (NM_001407957.1, NM_001407958.1, NM_001407956.1); c.5021dupT (NM_007294.3); c.4808dup, p.Thr1604Hisfs (NM_001407571.1, NM_001407894.1, NM_001407895.1 and 12 more transcripts); c.5087dup, p.Thr1697Hisfs (NM_001407581.1, NM_001407582.1); c.5084dup, p.Thr1696Hisfs (NM_001407583.1, NM_001407585.1, NM_001407587.1); c.5081dup, p.Thr1695Hisfs (NM_001407590.1, NM_001407591.1); and 74 more; short protein forms T1675fs, T571fs, T1696fs, T1628fs.
Identifiers: ClinVar variation 545802 (VCV000545802.6), dbSNP rs1555579721, ClinGen allele CA658824726.

ClinVar aggregate classification (germline): Pathogenic. Review status: criteria provided, multiple submitters, no conflicts (2 of 4 stars). 2 submissions from 2 submitters: Pathogenic (2). Last evaluated 2023-05-15.

Conditions:
Hereditary breast ovarian cancer syndrome. Also called: Hereditary breast and ovarian cancer; Hereditary breast and/or ovarian cancer syndrome; Hereditary breast and ovarian cancer syndrome; Hereditary breast and ovarian cancer syndrome (HBOC); Breast and ovarian cancer; BRCA1- and BRCA2-Associated Hereditary Breast and Ovarian Cancer. Identifiers: Orphanet 145, MedGen C0677776, MeSH D061325, MONDO:0003582. Disease mechanism: loss of function.

Submissions (2):

Labcorp Genetics (formerly Invitae), Labcorp
Classification: Pathogenic for Hereditary breast ovarian cancer syndrome. Last evaluated: 2023-05-15. Review status: criteria provided, single submitter. Criteria: Invitae Variant Classification Sherloc (09022015). Collection method: clinical testing. Allele origin: germline.
Comment: This sequence change creates a premature translational stop signal (p.Thr1675Hisfs*4) in the BRCA1 gene. It is expected to result in an absent or disrupted protein product. Loss-of-function variants in BRCA1 are known to be pathogenic (PMID: 20104584). This variant is not present in population databases (gnomAD no frequency). This variant has not been reported in the literature in individuals affected with BRCA1-related conditions. ClinVar contains an entry for this variant (Variation ID: 545802). Algorithms developed to predict the effect of sequence changes on RNA splicing suggest that this variant may disrupt the consensus splice site. For these reasons, this variant has been classified as Pathogenic.

GeneDx
Classification: Pathogenic. Last evaluated: 2017-07-12. Review status: criteria provided, single submitter. Criteria: GeneDx Variant Classification (06012015). Collection method: clinical testing. Allele origin: germline. Affected: yes.
Comment: This duplication of one nucleotide in BRCA1 is denoted c.5021dupT at the cDNA level and p.Thr1675HisfsX4 (T1675HfsX4) at the protein level. Using alternate nomenclature this variant would be defined as BRCA1 5140dupT. The normal sequence, with the base that is duplicated in brackets, is CACA[dupT]CACT. The duplication causes a frameshift which changes a Threonine to a Histidine at codon 1675, and creates a premature stop codon at position 4 of the new reading frame. Although this variant has not, to our knowledge, been reported in the literature, it is predicted to cause loss of normal protein function through either protein truncation or nonsense-mediated mRNA decay. We consider this variant to be pathogenic.

Literature cited by the submitters: PubMed 20104584 (cited by Labcorp Genetics (formerly Invitae), Labcorp).